The following is an entry in ClinVar:

NM_001110556.2(FLNA):c.6517G>T (p.Asp2173Tyr)

Gene: FLNA (filamin A; minus strand). Cytogenetic location: Xq28.
Variant type: single nucleotide variant.
Coding change: c.6517G>T on transcript NM_001110556.2 (MANE Select); coding-DNA position 6517, G replaced by T.
Protein change: p.Asp2173Tyr; replaces aspartic acid 2173 with tyrosine.
Molecular consequence: missense variant.
Genome position (GRCh38, 1-based): chrX:154,352,433, C>A on the plus strand (G>T on the coding strand, the complement: FLNA is on the minus strand). VCF-style: chrX-154352433-C-A. GRCh37 (hg19) VCF-style: chrX-153580801-C-A.
Other names: c.6493G>T, p.Asp2165Tyr (NM_001456.4); short protein forms D2173Y, D2165Y.
Identifiers: ClinVar variation 3279177 (VCV003279177.1).
Genomic context (GRCh38, chrX:154,352,433, plus strand): 5'-CTTCCACGATCTCGGCCTCATGGGTCTTGCCCGATGGGCTGGTCACCTGGGCTGTCATAT[C>A]CTGGATGCTAATTTCTGCAGGGTGGGGATGGGCTAGTGAGCAGCAGCCCTGGGCTCCACC-3'
Protein context (NP_001104026.1, residues 2163-2183): SLKIPEISIQ[Asp2173Tyr]MTAQVTSPSG

ClinVar aggregate classification (germline): Uncertain significance (1 of 4 stars; one submission).

Conditions:
Familial thoracic aortic aneurysm and aortic dissection (TAAD). Also called: Thoracic aortic aneurysms and dissections. Identifiers: Orphanet 91387, MedGen C4707243, MONDO:0019625.

Submission:

Ambry Genetics
Classification: Uncertain significance for Familial thoracic aortic aneurysm and aortic dissection. Last evaluated: 2024-05-06. Review status: criteria provided, single submitter. Criteria: Ambry Variant Classification Scheme 2023. Collection method: clinical testing. Allele origin: germline.
Comment: The p.D2165Y variant (also known as c.6493G>T), located in coding exon 39 of the FLNA gene, results from a G to T substitution at nucleotide position 6493. The aspartic acid at codon 2165 is replaced by tyrosine, an amino acid with highly dissimilar properties. This amino acid position is well conserved in available vertebrate species. In addition, the in silico prediction for this alteration is inconclusive. Based on the available evidence, the clinical significance of this variant remains unclear.